The following is an entry in ClinVar:

ClinVar aggregate classification (germline): Likely pathogenic (1 of 4 stars; one submission).

Conditions:
Weiss-Kruszka syndrome. Also called: Metopic ridging-ptosis-facial dysmorphism syndrome. Identifiers: Orphanet 502430, MedGen C5568107, MONDO:0032836, OMIM 618619.

Submission:

Molecular Genetics Department, Kulakov National Medical Research Center for Obstetrics, Gynecology and Perinatology
Classification: Likely pathogenic for Weiss-Kruszka syndrome. Review status: criteria provided, single submitter. Criteria: ACMG Guidelines, 2015. Collection method: clinical testing. Allele origin: germline. Affected: yes. Observed: 1 variant allele.
Comment: A previously undescribed heterozygous nucleotide variant creates a frameshift p.Thr1294SerfsTer47 in the ZNF462 gene. Heterozygous variants are reported in patients with Weiss-Kruszka syndrome, 618619. The variant is not present in population database (gnomAD no frequency). In summary, the currently available evidence indicates that the variant is pathogenic, but additional data are needed to prove that conclusively. Therefore, this variant has been classified as likely pathogenic.

NM_021224.6(ZNF462):c.3881_3882del (p.Thr1294fs)

Gene: ZNF462 (zinc finger protein 462; plus strand). Cytogenetic location: 9q31.2.
Variant type: Microsatellite.
Coding change: c.3881_3882del on transcript NM_021224.6 (MANE Select); coding-DNA positions 3881 to 3882, 2 bases deleted (CA; older notation c.3881_3882delCA).
Protein change: p.Thr1294fs; shifts the reading frame from threonine 1294.
Molecular consequence: frameshift variant. On other transcripts: intron variant (1).
Genome position (GRCh38, 1-based): chr9:106,927,793-106,927,794, CA deleted; deleting any 2 consecutive bases within chr9:106,927,791-106,927,794 gives the same sequence; the c. name uses the placement nearest the transcript's 3' end. VCF-style (leftmost placement, unchanged base first): chr9-106927790-CCA-C. GRCh37 (hg19) VCF-style: chr9-109690071-CCA-C.
Other names: c.3252+629_3252+630del (NM_001347997.2); short protein forms T1294fs.
Identifiers: ClinVar variation 4294440 (VCV004294440.1).
Genomic context (GRCh38, chr9:106,927,790, plus strand): 5'-CCTCCCCCTACTTCTATGCACTGAGGAAGCATATCAAGAAAGACCACCCCGCCCTGAAAG[CCA>C]CAGTCACGTCCATCATGCGATGGGCATTTCTAGATGGCTTGATAGAAGCTGGCTACCACT-3'